The following is an entry in ClinVar:

ClinVar aggregate classification (germline): Likely pathogenic (1 of 4 stars; one submission).

Conditions:
Myofibrillar myopathy 5. Also called: Filaminopathy (type); FILAMINOPATHY, AUTOSOMAL DOMINANT. Identifiers: Orphanet 171445, MedGen C1836050, MONDO:0012289, OMIM 609524.
Distal myopathy with posterior leg and anterior hand involvement. Also called: WILLIAMS DISTAL MYOPATHY. Identifiers: Orphanet 63273, MedGen C3279722, MONDO:0013550, OMIM 614065.
Hypertrophic cardiomyopathy 26. Also called: Cardiomyopathy, familial hypertrophic, 26. Identifiers: Orphanet 75249, MedGen C4310749, MONDO:0014883, OMIM 617047.

gnomAD v4.1: 1 of 1,613,180 alleles (0.000062%); no homozygotes.

Submission:

Labcorp Genetics (formerly Invitae), Labcorp
Classification: Likely pathogenic for Distal myopathy with posterior leg and anterior hand involvement; Myofibrillar myopathy 5; Hypertrophic cardiomyopathy 26. Last evaluated: 2024-08-31. Review status: criteria provided, single submitter. Criteria: Invitae Variant Classification Sherloc (09022015). Collection method: clinical testing. Allele origin: germline.
Comment: This sequence change affects a donor splice site in intron 17 of the FLNC gene. It is expected to disrupt RNA splicing. Variants that disrupt the donor or acceptor splice site typically lead to a loss of protein function (PMID: 16199547), and loss-of-function variants in FLNC are known to be pathogenic (PMID: 27908349). This variant is not present in population databases (gnomAD no frequency). This variant has not been reported in the literature in individuals affected with FLNC-related conditions. Algorithms developed to predict the effect of sequence changes on RNA splicing suggest that this variant may disrupt the consensus splice site. In summary, the currently available evidence indicates that the variant is pathogenic, but additional data are needed to prove that conclusively. Therefore, this variant has been classified as Likely Pathogenic.

Literature cited by the submitters: PubMed 16199547; PubMed 27908349.

NM_001458.5(FLNC):c.2641+1G>T

Gene: FLNC (filamin C; plus strand). Cytogenetic location: 7q32.1.
Variant type: single nucleotide variant.
Coding change: c.2641+1G>T on transcript NM_001458.5 (MANE Select); the canonical splice donor site of the intron after coding-DNA position 2641, G replaced by T.
Molecular consequence: splice donor variant.
Genome position (GRCh38, 1-based): chr7:128,843,320, G>T. VCF-style: chr7-128843320-G-T. GRCh37 (hg19) VCF-style: chr7-128483374-G-T.
Other names: c.2641+1G>T (NM_001127487.2).
Identifiers: ClinVar variation 3753413 (VCV003753413.2).